The following is an entry in ClinVar:

ClinVar aggregate classification (germline): Uncertain significance. Review status: criteria provided, multiple submitters, no conflicts (2 of 4 stars). 2 submissions from 2 submitters: Uncertain significance (2). Last evaluated 2025-10-28.

Conditions:
Cardiovascular phenotype. Identifiers: MedGen CN230736.
Cardiomyopathy (CMYO). Also called: Cardiomyopathies. Identifiers: Orphanet 167848, MedGen C0878544, MONDO:0004994, HP:0001638. Inheritance: Various modes of inheritance.

Submissions (2):

Ambry Genetics
Classification: Uncertain significance for Cardiovascular phenotype. Last evaluated: 2025-10-28. Review status: criteria provided, single submitter. Criteria: Ambry Variant Classification Scheme 2023. Collection method: clinical testing. Allele origin: germline.
Comment: The p.I4M variant (also known as c.12A>G), located in coding exon 1 of the TNNT2 gene, results from an A to G substitution at nucleotide position 12. The isoleucine at codon 4 is replaced by methionine, an amino acid with highly similar properties. This amino acid position is poorly conserved in available vertebrate species. In addition, the in silico prediction for this alteration is inconclusive. Based on the available evidence, the clinical significance of this variant remains unclear.

All of Us Research Program, National Institutes of Health
Classification: Uncertain significance for Cardiomyopathy. Last evaluated: 2023-05-31. Review status: criteria provided, single submitter. Criteria: ACMG Guidelines, 2015. Collection method: clinical testing. Allele origin: germline. Inheritance: Autosomal dominant inheritance. Observed: 1 variant allele, 1 heterozygote.
Comment: This study involves interpretation of variants in research participants for the purpose of population health screening. Participant phenotype was not available at the time of variant classification. Additional details can be found in publication PMID: 35346344, PMCID: PMC8962531

NM_001276345.2(TNNT2):c.12A>G (p.Ile4Met)

Gene: TNNT2 (troponin T2, cardiac type; minus strand). Cytogenetic location: 1q32.1.
Variant type: single nucleotide variant.
Coding change: c.12A>G on transcript NM_001276345.2 (MANE Select); coding-DNA position 12, A replaced by G.
Protein change: p.Ile4Met; replaces isoleucine 4 with methionine.
Molecular consequence: missense variant.
Genome position (GRCh38, 1-based): chr1:201,373,243, T>C on the plus strand (A>G on the coding strand, the complement: TNNT2 is on the minus strand). VCF-style: chr1-201373243-T-C. GRCh37 (hg19) VCF-style: chr1-201342371-T-C.
Other names: c.12A>G (NM_001001430.1); c.12A>G, p.Ile4Met (NM_000364.4, NM_001001430.3, NM_001001431.3 and 9 more transcripts); short protein forms I4M.
Identifiers: ClinVar variation 3071410 (VCV003071410.2), dbSNP rs2102317005, ClinGen allele CA344209074.
Genomic context (GRCh38, chr1:201,373,243, plus strand): 5'-CCCACTCAGGCAAGATGCTCCAGATACTCACTCCTCCTCGTACTCTTCCACCACCTCTTC[T>C]ATGTCAGACATGGTCTCTGCTCTCCCTCCAAAAGGAGAAAAAAGTCAGTGCAGGTACAAA-3'
Protein context (NP_001263274.1, residues 1-14): MSD[Ile4Met]EEVVEEYEEE